The following is an entry in ClinVar:

ClinVar aggregate classification (germline): Likely pathogenic (1 of 4 stars; one submission).

Conditions:
Agenesis of the corpus callosum with peripheral neuropathy (ACCPN). Also called: CHARLEVOIX DISEASE; POLYNEUROPATHY, SENSORIMOTOR, WITH OR WITHOUT AGENESIS OF THE CORPUS CALLOSUM; HMSN/ACC; Hereditary Motor and Sensory Neuropathy with Agenesis of the Corpus Callosum. Identifiers: Orphanet 1496, MedGen C0795950, MONDO:0000902, OMIM 218000. Disease mechanism: loss of function.

Submission:

Myriad Genetics, Inc.
Classification: Likely pathogenic for Agenesis of the corpus callosum with peripheral neuropathy. Last evaluated: 2022-02-04. Review status: criteria provided, single submitter. Criteria: Myriad Women's Health Autosomal Recessive and X-Linked Classification Criteria (2021). Collection method: clinical testing. Allele origin: unknown.
Comment: NM_133647.1(SLC12A6):c.992T>A(L331*) is expected to be pathogenic in the context of Andermann syndrome. This variant is predicted to lead to an abnormal or absent protein product due to the creation of a premature termination codon in SLC12A6, a gene where loss-of-function variants are known to be pathogenic. Please note: this variant was assessed in the context of healthy population screening.

NM_001365088.1(SLC12A6):c.992T>A (p.Leu331Ter)

Gene: SLC12A6 (solute carrier family 12 member 6; minus strand). Cytogenetic location: 15q14.
Variant type: single nucleotide variant.
Coding change: c.992T>A on transcript NM_001365088.1 (MANE Select); coding-DNA position 992, T replaced by A.
Protein change: p.Leu331Ter; replaces leucine 331 with a stop codon.
Molecular consequence: nonsense.
Genome position (GRCh38, 1-based): chr15:34,254,474, A>T on the plus strand (T>A on the coding strand, the complement: SLC12A6 is on the minus strand). VCF-style: chr15-34254474-A-T. GRCh37 (hg19) VCF-style: chr15-34546675-A-T.
Other names: c.815T>A, p.Leu272Ter (NM_001042494.2, NM_001042495.2); c.965T>A, p.Leu322Ter (NM_001042496.2); c.947T>A, p.Leu316Ter (NM_001042497.2); c.839T>A, p.Leu280Ter (NM_005135.2); c.992T>A, p.Leu331Ter (NM_133647.2); short protein forms L272*, L280*, L316*, L322*, L331*.
Identifiers: ClinVar variation 1724283 (VCV001724283.2), dbSNP rs2509816956, ClinGen allele CA391609198.
Genomic context (GRCh38, chr15:34,254,474, plus strand): 5'-ACACAGGCCAGGAAAAGTGAGGCAAACTTGTTCACATAGCGTACGCCGATAAATACCACT[A>T]ATACCATAAGGACCAAGAAAGCTGTGCCGTAGACACGCATGTTATTTAGCATGGCTGCTG-3'